The following is an entry in ClinVar:

ClinVar aggregate classification (germline): Conflicting classifications of pathogenicity. Review status: criteria provided, conflicting classifications (1 of 4 stars). 6 submissions from 6 submitters: Uncertain significance (2); Likely benign (2). 2 of the submissions do not count toward it. Last evaluated 2026-01-28.

Conditions:
PEX6-related disorder. Also called: PEX6-related condition; PEX6-related disorders.
Zellweger spectrum disorders (ZS). Also called: Zellweger Spectrum Disorder (ZSD); Zellweger Spectrum Disorder; Zellweger Spectrum; Zellweger syndrome. Identifiers: Orphanet 912, MedGen C0043459, MONDO:0019609.
Peroxisome biogenesis disorder. Identifiers: Orphanet 79189, MedGen C1832200, MONDO:0019234. Disease mechanism: loss of function.

Allele frequency attached by ClinVar (database versions not stated): gnomAD exomes 0.00029 and 0.00011; gnomAD 0.00084 and 0.00093; ESP Exome Variant Server 0.00154; TOPMed 0.00112; ExAC 0.00036; 1000 Genomes Project 0.00080; 1000 Genomes Project 30x 0.00094.
gnomAD v4.1: 286 of 1,613,308 alleles (0.018%); highest among the groups gnomAD compares: African/African-American, 0.36%; 3 homozygotes.

Submissions (6):

Labcorp Genetics (formerly Invitae), Labcorp
Classification: Likely benign for Peroxisome biogenesis disorder. Last evaluated: 2026-01-28. Review status: criteria provided, single submitter. Criteria: Invitae Variant Classification Sherloc (09022015). Collection method: clinical testing. Allele origin: germline.

Blueprint Genetics
Classification: Likely benign. Last evaluated: 2024-10-07. Review status: criteria provided, single submitter. Criteria: ACMG Guidelines, 2015. Collection method: clinical testing. Allele origin: germline.

Mayo Clinic Laboratories, Mayo Clinic
Classification: Uncertain significance. Last evaluated: 2024-04-03. Review status: criteria provided, single submitter. Criteria: ACMG Guidelines, 2015. Collection method: clinical testing. Allele origin: germline. Observed: 2 variant alleles.
Comment: BS1

Eurofins Ntd Llc (ga)
Classification: Uncertain significance. Last evaluated: 2018-06-05. Review status: criteria provided, single submitter. Criteria: EGL ClinVar v180209 classification definitions. Collection method: clinical testing. Allele origin: germline. Observed: 5 variant alleles, 5 heterozygotes.

PreventionGenetics, part of Exact Sciences
Classification: Likely benign for PEX6-related condition. Last evaluated: 2022-04-14. Review status: no assertion criteria provided. Collection method: clinical testing. Allele origin: germline. Not counted in ClinVar's aggregate classification.
Comment: This variant is classified as likely benign based on ACMG/AMP sequence variant interpretation guidelines (Richards et al. 2015 PMID: 25741868, with internal and published modifications).

Natera, Inc.
Classification: Benign for Zellweger syndrome. Last evaluated: 2019-10-22. Review status: no assertion criteria provided. Collection method: clinical testing. Allele origin: germline. Not counted in ClinVar's aggregate classification.

NM_000287.4(PEX6):c.1677C>A (p.Asp559Glu)

Gene: PEX6 (peroxisomal biogenesis factor 6; minus strand). Cytogenetic location: 6p21.1.
Variant type: single nucleotide variant.
Coding change: c.1677C>A on transcript NM_000287.4 (MANE Select); coding-DNA position 1677, C replaced by A.
Protein change: p.Asp559Glu; replaces aspartic acid 559 with glutamic acid.
Molecular consequence: missense variant. On other transcripts: non-coding transcript variant (1).
Genome position (GRCh38, 1-based): chr6:42,968,301, G>T on the plus strand (C>A on the coding strand, the complement: PEX6 is on the minus strand). VCF-style: chr6-42968301-G-T. GRCh37 (hg19) VCF-style: chr6-42936039-G-T.
Other names: c.1413C>A, p.Asp471Glu (NM_001316313.2); short protein forms D559E, D471E.
Identifiers: ClinVar variation 167464 (VCV000167464.20), dbSNP rs61732159, ClinGen allele CA234544.
Genomic context (GRCh38, chr6:42,968,301, plus strand): 5'-CGCCCAGCCGGCCCCCCCAGCTTTGAGAGGCCCAGCTCTGTATAAGTACCTGTTGAGGGG[G>T]TCCTCATTGAGGAGGAGGTGACGCAGCACAGCCATCACACGGGCATCCTCACCCAGCCCA-3'
Protein context (NP_000278.3, residues 549-569): AVLRHLLLNE[Asp559Glu]PLNSCPPLMV